The following is an entry in ClinVar:

ClinVar aggregate classification (germline): Likely benign (0 of 4 stars; one submission).

Conditions:
GNAS-related disorder. Identifiers: MedGen CN380105.

gnomAD v4.1: 3 of 1,614,132 alleles (0.00019%); highest among the groups gnomAD compares: Non-Finnish European, 0.00017%; no homozygotes.

Submission:

PreventionGenetics, part of Exact Sciences
Classification: Likely benign for GNAS-related condition. Last evaluated: 2024-08-06. Review status: no assertion criteria provided. Collection method: clinical testing. Allele origin: germline.
Comment: This variant is classified as likely benign based on ACMG/AMP sequence variant interpretation guidelines (Richards et al. 2015 PMID: 25741868, with internal and published modifications).

NM_000516.7(GNAS):c.1170G>A (p.Gln390=)

Gene: GNAS (GNAS complex locus; plus strand). Cytogenetic location: 20q13.32.
Variant type: single nucleotide variant.
Coding change: c.1170G>A on transcript NM_000516.7 (MANE Select); coding-DNA position 1170, G replaced by A.
Protein change: p.Gln390=; no amino-acid change (glutamine 390 retained).
Molecular consequence: synonymous variant. On other transcripts: 3 prime UTR variant (2).
Genome position (GRCh38, 1-based): chr20:58,910,814, G>A. VCF-style: chr20-58910814-G-A. GRCh37 (hg19) VCF-style: chr20-57485869-G-A.
Other names: c.1173G>A, p.Gln391= (NM_001077488.5); c.1125G>A, p.Gln375= (NM_001077489.4); c.*1031G>A (NM_001077490.3); c.993G>A, p.Gln331= (NM_001309840.2, NM_001309861.2); c.1074G>A, p.Gln358= (NM_001410912.1); c.3054G>A, p.Gln1018= (NM_001410913.1); c.*1076G>A (NM_016592.5); c.3099G>A, p.Gln1033= (NM_080425.4); and 1 more.
Identifiers: ClinVar variation 3355811 (VCV003355811.1).